The following is an entry in ClinVar:

NM_002693.3(POLG):c.568C>G (p.Pro190Ala)

Genes: POLG (DNA polymerase gamma, catalytic subunit; minus strand), POLGARF (POLG alternative reading frame; minus strand). Cytogenetic location: 15q26.1.
Variant type: single nucleotide variant.
Coding change: c.568C>G on transcript NM_002693.3 (MANE Select); coding-DNA position 568, C replaced by G.
Protein change: p.Pro190Ala; replaces proline 190 with alanine.
Molecular consequence: missense variant.
Genome position (GRCh38, 1-based): chr15:89,333,187, G>C on the plus strand (C>G on the coding strand, the complement: POLG is on the minus strand). VCF-style: chr15-89333187-G-C. GRCh37 (hg19) VCF-style: chr15-89876418-G-C.
Other names: c.568C>G, p.Pro190Ala (NM_001126131.2); short protein forms P190A.
Identifiers: ClinVar variation 1997785 (VCV001997785.4), dbSNP rs1085307976, ClinGen allele CA393770735.

ClinVar aggregate classification (germline): Uncertain significance (1 of 4 stars; one submission).

Conditions:
Progressive sclerosing poliodystrophy (MTDPS4A). Also called: Mitochondrial DNA Depletion Syndrome 4A; ALPERS PROGRESSIVE INFANTILE POLIODYSTROPHY; NEURONAL DEGENERATION OF CHILDHOOD WITH LIVER DISEASE, PROGRESSIVE; Mitochondrial DNA depletion syndrome 4A (Alpers type); Alpers Syndrome; ALPERS DIFFUSE DEGENERATION OF CEREBRAL GRAY MATTER WITH HEPATIC CIRRHOSIS. Identifiers: Orphanet 726, MedGen C0205710, MONDO:0008758, OMIM 203700.

Submission:

Labcorp Genetics (formerly Invitae), Labcorp
Classification: Uncertain significance for Progressive sclerosing poliodystrophy. Last evaluated: 2022-05-21. Review status: criteria provided, single submitter. Criteria: Invitae Variant Classification Sherloc (09022015). Collection method: clinical testing. Allele origin: germline.
Comment: In summary, the available evidence is currently insufficient to determine the role of this variant in disease. Therefore, it has been classified as a Variant of Uncertain Significance. Algorithms developed to predict the effect of missense changes on protein structure and function are either unavailable or do not agree on the potential impact of this missense change (SIFT: "Deleterious"; PolyPhen-2: "Probably Damaging"; Align-GVGD: "Class C0"). This variant has not been reported in the literature in individuals affected with POLG-related conditions. This variant is not present in population databases (gnomAD no frequency). This sequence change replaces proline, which is neutral and non-polar, with alanine, which is neutral and non-polar, at codon 190 of the POLG protein (p.Pro190Ala).